The following is an entry in ClinVar:

ClinVar aggregate classification (germline): Uncertain significance (1 of 4 stars; one submission).

Allele frequency attached by ClinVar (database versions not stated): gnomAD exomes below 0.00001; TOPMed 0.00001.
gnomAD v4.1: 1 of 1,613,866 alleles (0.000062%); highest among the groups gnomAD compares: Non-Finnish European, 0.000085%; no homozygotes.

Submission:

Labcorp Genetics (formerly Invitae), Labcorp
Classification: Uncertain significance. Last evaluated: 2022-08-09. Review status: criteria provided, single submitter. Criteria: Invitae Variant Classification Sherloc (09022015). Collection method: clinical testing. Allele origin: germline.
Comment: In summary, the available evidence is currently insufficient to determine the role of this variant in disease. Therefore, it has been classified as a Variant of Uncertain Significance. Algorithms developed to predict the effect of missense changes on protein structure and function are either unavailable or do not agree on the potential impact of this missense change (SIFT: "Tolerated"; PolyPhen-2: "Probably Damaging"; Align-GVGD: "Class C0"). ClinVar contains an entry for this variant (Variation ID: 1484855). This variant has not been reported in the literature in individuals affected with TUFM-related conditions. This variant is not present in population databases (gnomAD no frequency). This sequence change replaces alanine, which is neutral and non-polar, with valine, which is neutral and non-polar, at codon 47 of the TUFM protein (p.Ala47Val).

NM_003321.5(TUFM):c.140C>T (p.Ala47Val)

Gene: TUFM (Tu translation elongation factor, mitochondrial; minus strand). Cytogenetic location: 16p11.2.
Variant type: single nucleotide variant.
Coding change: c.140C>T on transcript NM_003321.5 (MANE Select); coding-DNA position 140, C replaced by T.
Protein change: p.Ala47Val; replaces alanine 47 with valine.
Molecular consequence: missense variant.
Genome position (GRCh38, 1-based): chr16:28,846,019, G>A on the plus strand (C>T on the coding strand, the complement: TUFM is on the minus strand). VCF-style: chr16-28846019-G-A. GRCh37 (hg19) VCF-style: chr16-28857340-G-A.
Other names: c.140C>T, p.Ala47Val (NM_001365360.2); short protein forms A47V.
Identifiers: ClinVar variation 1484855 (VCV001484855.5), dbSNP rs1961944286, ClinGen allele CA395419005.